The following is an entry in ClinVar:

ClinVar aggregate classification (germline): Uncertain significance (1 of 4 stars; one submission).

Conditions:
Autoinflammation-PLCG2-associated antibody deficiency-immune dysregulation. Also called: Autoinflammation, antibody deficiency, and immune dysregulation, plcg2-associated; AUTOINFLAMMATION, ANTIBODY DEFICIENCY, AND IMMUNE DYSREGULATION; Autoinflammation, antibody deficiency, and immune dysregulation syndrome. Identifiers: Orphanet 324530, MedGen C3553961, MONDO:0013944, OMIM 614878.

Submission:

Neuberg Centre For Genomic Medicine, NCGM
Classification: Uncertain significance for Autoinflammation-PLCG2-associated antibody deficiency-immune dysregulation. Last evaluated: 2023-05-20. Review status: criteria provided, single submitter. Criteria: ACMG Guidelines, 2015. Collection method: clinical testing. Allele origin: germline. Inheritance: Autosomal dominant inheritance. Affected: yes.
Comment: The observed missense c.61G>C(p.Ala21Pro) variant in PLCG2 gene has not been reported previously as a pathogenic variant nor a benign variant, to our knowledge. The p.Ala21Pro variant is absent in gnomAD Exomes. This variant has not been submitted to the ClinVar database. Computational evidences (Polyphen - Benign, SIFT - Tolerated and MutationTaster - Disease causing) predict conflicting evidence on protein structure and function for this variant. The amino acid change p.Ala21Pro in PLCG2 is predicted as conserved by GERP++ and PhyloP across 100 vertebrates. The amino acid Ala at position 21 is changed to a Pro changing protein sequence and it might alter its composition and physico-chemical properties. For these reasons, this variant has been classified as a Variant of Uncertain Significance (VUS).

NM_002661.5(PLCG2):c.61G>C (p.Ala21Pro)

Gene: PLCG2 (phospholipase C gamma 2; plus strand). Cytogenetic location: 16q23.3.
Variant type: single nucleotide variant.
Coding change: c.61G>C on transcript NM_002661.5 (MANE Select); coding-DNA position 61, G replaced by C.
Protein change: p.Ala21Pro; replaces alanine 21 with proline.
Molecular consequence: missense variant.
Genome position (GRCh38, 1-based): chr16:81,786,050, G>C. VCF-style: chr16-81786050-G-C. GRCh37 (hg19) VCF-style: chr16-81819655-G-C.
Other names: c.61G>C, p.Ala21Pro (NM_001425749.1, NM_001425750.1, NM_001425751.1); short protein forms A21P.
Identifiers: ClinVar variation 3341349 (VCV003341349.1).
Genomic context (GRCh38, chr16:81,786,050, plus strand): 5'-ATGTCCACCACGGTCAATGTAGATTCCCTTGCGGAATATGAGAAGAGCCAGATCAAGAGA[G>C]CCCTGGAGCTGGGGACGGTGATGACTGTGTTCAGCTTCCGCAAGTCCACCCCCGAGCGGA-3'
Protein context (NP_002652.2, residues 11-31): AEYEKSQIKR[Ala21Pro]LELGTVMTVF